The following is an entry in ClinVar:

ClinVar aggregate classification (germline): Uncertain significance (1 of 4 stars; one submission).

gnomAD v4.1: 5 of 152,202 alleles (0.0033%); highest among the groups gnomAD compares: Non-Finnish European, 0.0029%; no homozygotes.

Submission:

Institute for Human Genetics, University Hospital Essen
Classification: Uncertain significance. Last evaluated: 2025-11-27. Review status: criteria provided, single submitter. Criteria: Submitter's publication. Collection method: clinical testing. Allele origin: germline. Inheritance: Autosomal unknown. Affected: yes. Observed: 2 variant alleles, 1 heterozygote, 1 compound heterozygote.
Comment: PS2_supp, PS4_supp, PM1, PM2_supp (criteria rationale detailed in Leitão et al. Nature Genetics 2026)

NR_199791.1(RNU2-2):n.101T>A

Genes: RNU2-2 (RNA, U2 small nuclear 2; minus strand), WDR74 (WD repeat domain 74; minus strand). Cytogenetic location: 11q12.3.
Variant type: single nucleotide variant.
Molecular consequence: non-coding transcript variant (on NR_199791.1). On other transcripts: 5 prime UTR variant (1).
Genome position: GRCh38 VCF-style: chr11-62841709-A-T. GRCh37 (hg19) VCF-style: chr11-62609181-A-T.
Other names: c.-438T>A (NM_001369451.1).
Identifiers: ClinVar variation 4540502 (VCV004540502.1).